The following is an entry in ClinVar:

NM_001079668.3(NKX2-1):c.201G>C (p.Pro67=)

Genes: NKX2-1 (NK2 homeobox 1; minus strand), SFTA3 (surfactant associated 3; minus strand). Cytogenetic location: 14q13.3.
Variant type: single nucleotide variant.
Coding change: c.201G>C on transcript NM_001079668.3 (MANE Select); coding-DNA position 201, G replaced by C.
Protein change: p.Pro67=; no amino-acid change (proline 67 retained).
Molecular consequence: synonymous variant.
Genome position (GRCh38, 1-based): chr14:36,519,247, C>G on the plus strand (G>C on the coding strand, the complement: NKX2-1 is on the minus strand). VCF-style: chr14-36519247-C-G. GRCh37 (hg19) VCF-style: chr14-36988452-C-G.
Other names: c.111G>C, p.Pro37= (NM_003317.4).
Identifiers: ClinVar variation 227747 (VCV000227747.10), dbSNP rs747491554, ClinGen allele CA7158565.

ClinVar aggregate classification (germline): Benign/Likely benign. Review status: criteria provided, multiple submitters, no conflicts (2 of 4 stars). 3 submissions from 3 submitters: Benign (1); Likely benign (2). Last evaluated 2026-03-06.

Allele frequency attached by ClinVar (database versions not stated): gnomAD 0.00001; TOPMed 0.00001; gnomAD exomes 0.00010; ExAC 0.00018.
gnomAD v4.1: 63 of 1,609,534 alleles (0.0039%); highest among the groups gnomAD compares: South Asian, 0.066%; 1 homozygote.

Submissions (3):

Women's Health and Genetics/Laboratory Corporation of America, LabCorp
Classification: Likely benign. Last evaluated: 2026-03-06. Review status: criteria provided, single submitter. Criteria: LabCorp Variant Classification Summary - May 2015. Collection method: clinical testing. Allele origin: germline.

Labcorp Genetics (formerly Invitae), Labcorp
Classification: Benign. Last evaluated: 2019-12-31. Review status: criteria provided, single submitter. Criteria: Invitae Variant Classification Sherloc (09022015). Collection method: clinical testing. Allele origin: germline.

Laboratory for Molecular Medicine, Mass General Brigham Personalized Medicine
Classification: Likely benign. Last evaluated: 2016-01-06. Review status: criteria provided, single submitter. Criteria: LMM Criteria. Collection method: clinical testing. Allele origin: germline. Observed: 1 variant allele.
Comment: p.Pro67Pro in exon 2 of NKX2-1: This variant is not expected to have clinical si gnificance because it does not alter an amino acid residue and is not located wi thin the splice consensus sequence. It has been identified in 0.1% (16/14240) of South Asian chromosomes, including 1 homozygote by the Exome Aggregation Consor tium (ExAC).